The following is an entry in ClinVar:

NM_005228.5(EGFR):c.1946G>C (p.Gly649Ala)

Gene: EGFR (epidermal growth factor receptor; plus strand). Cytogenetic location: 7p11.2.
Variant type: single nucleotide variant.
Coding change: c.1946G>C on transcript NM_005228.5 (MANE Select); coding-DNA position 1946, G replaced by C.
Protein change: p.Gly649Ala; replaces glycine 649 with alanine.
Molecular consequence: missense variant.
Genome position (GRCh38, 1-based): chr7:55,173,009, G>C. VCF-style: chr7-55173009-G-C. GRCh37 (hg19) VCF-style: chr7-55240702-G-C.
Other names: c.1811G>C, p.Gly604Ala (NM_001346897.2, NM_001346899.2); c.1946G>C, p.Gly649Ala (NM_001346898.2); c.1787G>C, p.Gly596Ala (NM_001346900.2); c.1145G>C, p.Gly382Ala (NM_001346941.2); short protein forms G382A, G596A, G604A, G649A.
Identifiers: ClinVar variation 4870268 (VCV004870268.1).

ClinVar aggregate classification (germline): Uncertain significance (1 of 4 stars; one submission).

Conditions:
Hereditary cancer-predisposing syndrome. Also called: Neoplastic Syndromes, Hereditary; Tumor predisposition; Hereditary Cancer Syndrome; Hereditary neoplastic syndrome. Identifiers: Orphanet 140162, MedGen C0027672, MeSH D009386, MONDO:0015356.

Submission:

Ambry Genetics
Classification: Uncertain significance for Hereditary cancer-predisposing syndrome. Last evaluated: 2026-05-20. Review status: criteria provided, single submitter. Criteria: Ambry Variant Classification Scheme 2023. Collection method: clinical testing. Allele origin: germline.
Comment: The p.G649A variant (also known as c.1946G>C), located in coding exon 17 of the EGFR gene, results from a G to C substitution at nucleotide position 1946. The glycine at codon 649 is replaced by alanine, an amino acid with similar properties. This amino acid position is highly conserved in available vertebrate species. In addition, the in silico prediction for this alteration is inconclusive. Based on the available evidence, the clinical significance of this variant remains unclear.